The following is an entry in ClinVar:

ClinVar aggregate classification (germline): Likely benign (1 of 4 stars; one submission).

Conditions:
PEAK1-related disorder. Also called: PEAK1-related condition.

gnomAD v4.1: 2,345 of 1,614,212 alleles (0.15%); highest among the groups gnomAD compares: Non-Finnish European, 0.19%; 7 homozygotes.

Submission:

PreventionGenetics, part of Exact Sciences
Classification: Likely benign for PEAK1-related condition. Last evaluated: 2024-11-17. Review status: criteria provided, single submitter. Criteria: ACMG Guidelines, 2015. Collection method: clinical testing. Allele origin: germline.
Comment: This variant is classified as likely benign based on ACMG/AMP sequence variant interpretation guidelines (Richards et al. 2015 PMID: 25741868, with internal and published modifications).

NM_001385026.1(PEAK1):c.1272A>G (p.Lys424=)

Gene: PEAK1 (pseudopodium enriched atypical kinase 1; minus strand). Cytogenetic location: 15q24.3.
Variant type: single nucleotide variant.
Coding change: c.1272A>G on transcript NM_001385026.1 (MANE Select); coding-DNA position 1272, A replaced by G.
Protein change: p.Lys424=; no amino-acid change (lysine 424 retained).
Molecular consequence: synonymous variant.
Genome position (GRCh38, 1-based): chr15:77,180,655, T>C on the plus strand (A>G on the coding strand, the complement: PEAK1 is on the minus strand). VCF-style: chr15-77180655-T-C. GRCh37 (hg19) VCF-style: chr15-77472997-T-C.
Other names: c.1272A>G, p.Lys424= (NM_001385027.1, NM_001387085.1, NM_001387086.1 and 1 more transcripts).
Identifiers: ClinVar variation 4998707 (VCV004998707.1).